The following is an entry in ClinVar:

ClinVar aggregate classification (germline): Uncertain significance. Review status: criteria provided, multiple submitters, no conflicts (2 of 4 stars). 7 submissions from 6 submitters: Uncertain significance (7). Last evaluated 2025-06-29.

Conditions:
ADAMTSL4-related disorder. Also called: ADAMTSL4-Related Disorders; ADAMTSL4-related condition.
Inborn genetic diseases. Identifiers: MedGen C0950123, MeSH D030342.
Ectopia lentis et pupillae. Also called: ECTOPIA LENTIS WITH ECTOPIA OF PUPIL. Identifiers: Orphanet 1885, MedGen C1644196, MONDO:0009153, OMIM 225200.
Ectopia lentis 2, isolated, autosomal recessive (ECTOL2). Identifiers: Orphanet 1885, MedGen C3541474, MONDO:0009152, OMIM 225100.

Allele frequency attached by ClinVar (database versions not stated): ExAC 0.00007; ESP Exome Variant Server 0.00023.

Submissions (7):

Ambry Genetics
Classification: Uncertain significance for Inborn genetic diseases. Last evaluated: 2025-06-29. Review status: criteria provided, single submitter. Criteria: Ambry Variant Classification Scheme 2023. Collection method: clinical testing. Allele origin: germline.

CeGaT Center for Human Genetics Tuebingen
Classification: Uncertain significance. Last evaluated: 2023-06-01. Review status: criteria provided, single submitter. Criteria: CeGaT Center For Human Genetics Tuebingen Variant Classification Criteria Version 2. Collection method: clinical testing. Allele origin: germline. Affected: yes. Observed: 2 variant alleles.
Comment: ADAMTSL4: PM2, BP4

Genome-Nilou Lab
Classification: Uncertain significance for Ectopia lentis et pupillae. Last evaluated: 2023-04-11. Review status: criteria provided, single submitter. Criteria: ACMG Guidelines, 2015. Collection method: clinical testing. Allele origin: germline. Affected: no.

Genome-Nilou Lab
Classification: Uncertain significance for Ectopia lentis 2, isolated, autosomal recessive. Last evaluated: 2023-04-11. Review status: criteria provided, single submitter. Criteria: ACMG Guidelines, 2015. Collection method: clinical testing. Allele origin: germline. Affected: no.

PreventionGenetics, part of Exact Sciences
Classification: Uncertain significance for ADAMTSL4-related condition. Last evaluated: 2023-02-10. Review status: criteria provided, single submitter. Criteria: ACMG Guidelines, 2015. Collection method: clinical testing. Allele origin: germline.
Comment: The ADAMTSL4 c.3038G>A variant is predicted to result in the amino acid substitution p.Arg1013Gln. To our knowledge, this variant has not been reported in the literature. This variant is reported in 0.032% of alleles in individuals of African descent in gnomAD. At this time, the clinical significance of this variant is uncertain due to the absence of conclusive functional and genetic evidence.

Labcorp Genetics (formerly Invitae), Labcorp
Classification: Uncertain significance. Last evaluated: 2022-07-12. Review status: criteria provided, single submitter. Criteria: Invitae Variant Classification Sherloc (09022015). Collection method: clinical testing. Allele origin: germline.
Comment: This sequence change replaces arginine, which is basic and polar, with glutamine, which is neutral and polar, at codon 1013 of the ADAMTSL4 protein (p.Arg1013Gln). This variant is present in population databases (rs144461282, gnomAD 0.03%). This variant has not been reported in the literature in individuals affected with ADAMTSL4-related conditions. ClinVar contains an entry for this variant (Variation ID: 1506827). Algorithms developed to predict the effect of missense changes on protein structure and function (SIFT, PolyPhen-2, Align-GVGD) all suggest that this variant is likely to be disruptive. Algorithms developed to predict the effect of sequence changes on RNA splicing suggest that this variant may create or strengthen a splice site. In summary, the available evidence is currently insufficient to determine the role of this variant in disease. Therefore, it has been classified as a Variant of Uncertain Significance.

Breakthrough Genomics
Classification: Uncertain significance. Review status: criteria provided, single submitter. Criteria: ACMG Guidelines, 2015. Collection method: not provided. Allele origin: germline. Inheritance: Autosomal recessive inheritance. Affected: yes.

NM_019032.6(ADAMTSL4):c.3038G>A (p.Arg1013Gln)

Genes: ADAMTSL4 (ADAMTS like 4; plus strand), LOC129931410 (ATAC-STARR-seq lymphoblastoid active region 1691; plus strand). Cytogenetic location: 1q21.2.
Variant type: single nucleotide variant.
Coding change: c.3038G>A on transcript NM_019032.6 (MANE Select); coding-DNA position 3038, G replaced by A.
Protein change: p.Arg1013Gln; replaces arginine 1013 with glutamine.
Molecular consequence: missense variant.
Genome position (GRCh38, 1-based): chr1:150,559,855, G>A. VCF-style: chr1-150559855-G-A. GRCh37 (hg19) VCF-style: chr1-150532331-G-A.
Other names: c.3038G>A (NM_019032.4, NM_019032.5); c.2921G>A, p.Arg974Gln (NM_001288607.2); c.3107G>A, p.Arg1036Gln (NM_001288608.2); c.3038G>A, p.Arg1013Gln (NM_001378596.1); short protein forms R1013Q, R1036Q, R974Q.
Identifiers: ClinVar variation 1506827 (VCV001506827.32), dbSNP rs144461282, ClinGen allele CA1078929.